The following is an entry in ClinVar:

NM_033400.3(ZFHX2):c.5413C>T (p.Leu1805=)

Genes: THTPA (thiamine triphosphatase; plus strand), ZFHX2 (zinc finger homeobox 2; minus strand). Cytogenetic location: 14q11.2.
Variant type: single nucleotide variant.
Coding change: c.5413C>T on transcript NM_033400.3 (MANE Select); coding-DNA position 5413, C replaced by T.
Protein change: p.Leu1805=; no amino-acid change (leucine 1805 retained).
Molecular consequence: synonymous variant.
Genome position (GRCh38, 1-based): chr14:23,524,529, G>A on the plus strand (C>T on the coding strand, the complement: ZFHX2 is on the minus strand). VCF-style: chr14-23524529-G-A. GRCh37 (hg19) VCF-style: chr14-23993738-G-A.
Identifiers: ClinVar variation 3341639 (VCV003341639.17).
Genomic context (GRCh38, chr14:23,524,529, plus strand): 5'-TTGGTGAGGTGGCTGCCACCAGGGGGTTTCTCTCCCCAAACACCAGCAAGGGCAGATCTA[G>A]GAGTTGGGGGGGAGCACTGGGCTGCAGAGATGGCAGGAAATGTAGTCGGCGGTGACTGGT-3'
Protein context (NP_207646.2, residues 1795-1815): SLQPSAPPQL[Leu1805=]DLPLLVFGER

ClinVar aggregate classification (germline): Likely benign. Review status: criteria provided, multiple submitters, no conflicts (2 of 4 stars). 2 submissions from 2 submitters: Likely benign (2). Last evaluated 2025-06-30.

gnomAD v4.1: 1,276 of 1,526,592 alleles (0.084%); highest among the groups gnomAD compares: Non-Finnish European, 0.1%; 1 homozygote.

Submissions (2):

Women's Health and Genetics/Laboratory Corporation of America, LabCorp
Classification: Likely benign. Last evaluated: 2025-06-30. Review status: criteria provided, single submitter. Criteria: LabCorp Variant Classification Summary - May 2015. Collection method: clinical testing. Allele origin: germline.

CeGaT Center for Human Genetics Tuebingen
Classification: Likely benign. Last evaluated: 2024-08-01. Review status: criteria provided, single submitter. Criteria: CeGaT Center For Human Genetics Tuebingen Variant Classification Criteria Version 2. Collection method: clinical testing. Allele origin: germline. Affected: yes. Observed: 1 variant allele.
Comment: ZFHX2: BP4, BP7